The following is an entry in ClinVar:

NM_015164.4(PLEKHM2):c.2144T>C (p.Leu715Pro)

Gene: PLEKHM2 (pleckstrin homology and RUN domain containing M2; plus strand). Cytogenetic location: 1p36.21.
Variant type: single nucleotide variant.
Coding change: c.2144T>C on transcript NM_015164.4 (MANE Select); coding-DNA position 2144, T replaced by C.
Protein change: p.Leu715Pro; replaces leucine 715 with proline.
Molecular consequence: missense variant.
Genome position (GRCh38, 1-based): chr1:15,729,865, T>C. VCF-style: chr1-15729865-T-C. GRCh37 (hg19) VCF-style: chr1-16056360-T-C.
Other names: short protein forms L715P.
Identifiers: ClinVar variation 570846 (VCV000570846.8), dbSNP rs1557661974, ClinGen allele CA338570001.

ClinVar aggregate classification (germline): Uncertain significance (1 of 4 stars; one submission).

Allele frequency attached by ClinVar (database versions not stated): gnomAD exomes below 0.00001.
gnomAD v4.1: 4 of 1,612,290 alleles (0.00025%); highest among the groups gnomAD compares: Non-Finnish European, 0.00034%; no homozygotes.

Submission:

Labcorp Genetics (formerly Invitae), Labcorp
Classification: Uncertain significance. Last evaluated: 2025-02-27. Review status: criteria provided, single submitter. Criteria: Invitae Variant Classification Sherloc (09022015). Collection method: clinical testing. Allele origin: germline.
Comment: This sequence change replaces leucine, which is neutral and non-polar, with proline, which is neutral and non-polar, at codon 715 of the PLEKHM2 protein (p.Leu715Pro). This variant is not present in population databases (gnomAD no frequency). This variant has not been reported in the literature in individuals affected with PLEKHM2-related conditions. ClinVar contains an entry for this variant (Variation ID: 570846). An algorithm developed to predict the effect of missense changes on protein structure and function (PolyPhen-2) suggests that this variant is likely to be disruptive. In summary, the available evidence is currently insufficient to determine the role of this variant in disease. Therefore, it has been classified as a Variant of Uncertain Significance.